The following is an entry in ClinVar:

NM_013275.6(ANKRD11):c.4150G>A (p.Gly1384Ser)

Gene: ANKRD11 (ankyrin repeat domain 11; minus strand). Cytogenetic location: 16q24.3.
Variant type: single nucleotide variant.
Coding change: c.4150G>A on transcript NM_013275.6 (MANE Select); coding-DNA position 4150, G replaced by A.
Protein change: p.Gly1384Ser; replaces glycine 1384 with serine.
Molecular consequence: missense variant.
Genome position (GRCh38, 1-based): chr16:89,282,392, C>T on the plus strand (G>A on the coding strand, the complement: ANKRD11 is on the minus strand). VCF-style: chr16-89282392-C-T. GRCh37 (hg19) VCF-style: chr16-89348800-C-T.
Other names: c.4150G>A, p.Gly1384Ser (NM_001256182.2, NM_001256183.2); short protein forms G1384S.
Identifiers: ClinVar variation 2039971 (VCV002039971.5), dbSNP rs776994699, ClinGen allele CA8242199.

ClinVar aggregate classification (germline): Conflicting classifications of pathogenicity. Review status: criteria provided, conflicting classifications (1 of 4 stars). 2 submissions from 2 submitters: Uncertain significance (1); Likely benign (1). Last evaluated 2026-01-12.

Conditions:
KBG syndrome (KBGS). Also called: ANKRD11-Related KBG Syndrome. Identifiers: Orphanet 2332, MedGen C0220687, MONDO:0007846, OMIM 148050.

Allele frequency attached by ClinVar (database versions not stated): TOPMed below 0.00001; gnomAD 0.00001; ExAC 0.00002.
gnomAD v4.1: 14 of 1,614,162 alleles (0.00087%); highest among the groups gnomAD compares: East Asian, 0.0022%; no homozygotes.

Submissions (2):

Labcorp Genetics (formerly Invitae), Labcorp
Classification: Uncertain significance for KBG syndrome. Last evaluated: 2026-01-12. Review status: criteria provided, single submitter. Criteria: Invitae Variant Classification Sherloc (09022015). Collection method: clinical testing. Allele origin: germline.
Comment: This sequence change replaces glycine, which is neutral and non-polar, with serine, which is neutral and polar, at codon 1384 of the ANKRD11 protein (p.Gly1384Ser). This variant is present in population databases (rs776994699, gnomAD 0.004%). This variant has not been reported in the literature in individuals affected with ANKRD11-related conditions. ClinVar contains an entry for this variant (Variation ID: 2039971). Invitae Evidence Modeling of protein sequence and biophysical properties (such as structural, functional, and spatial information, amino acid conservation, physicochemical variation, residue mobility, and thermodynamic stability) indicates that this missense variant is not expected to disrupt ANKRD11 protein function with a negative predictive value of 95%. In summary, the available evidence is currently insufficient to determine the role of this variant in disease. Therefore, it has been classified as a Variant of Uncertain Significance.

Blueprint Genetics
Classification: Likely benign. Last evaluated: 2023-04-14. Review status: criteria provided, single submitter. Criteria: ACMG Guidelines, 2015. Collection method: clinical testing. Allele origin: germline.